The following is an entry in ClinVar:

NM_005334.3(HCFC1):c.42T>G (p.Leu14=)

Gene: HCFC1 (host cell factor C1; minus strand). Cytogenetic location: Xq28.
Variant type: single nucleotide variant.
Coding change: c.42T>G on transcript NM_005334.3 (MANE Select); coding-DNA position 42, T replaced by G.
Protein change: p.Leu14=; no amino-acid change (leucine 14 retained).
Molecular consequence: synonymous variant.
Genome position (GRCh38, 1-based): chrX:153,970,799, A>C on the plus strand (T>G on the coding strand, the complement: HCFC1 is on the minus strand). VCF-style: chrX-153970799-A-C. GRCh37 (hg19) VCF-style: chrX-153236250-A-C.
Other names: c.42T>G, p.Leu14= (NM_001410705.1).
Identifiers: ClinVar variation 2661777 (VCV002661777.24), dbSNP rs2521820526, ClinGen allele CA519272155.

ClinVar aggregate classification (germline): Likely benign (1 of 4 stars; one submission).

Submission:

CeGaT Center for Human Genetics Tuebingen
Classification: Likely benign. Last evaluated: 2026-04-01. Review status: criteria provided, single submitter. Criteria: CeGaT Center For Human Genetics Tuebingen Variant Classification Criteria Version 2. Collection method: clinical testing. Allele origin: germline. Affected: yes. Observed: 3 variant alleles.
Comment: HCFC1: PM2:Supporting, BP4, BP7